The following is an entry in ClinVar:

ClinVar aggregate classification (germline): Uncertain significance (1 of 4 stars; one submission).

Submission:

Labcorp Genetics (formerly Invitae), Labcorp
Classification: Uncertain significance. Last evaluated: 2025-08-02. Review status: criteria provided, single submitter. Criteria: Invitae Variant Classification Sherloc (09022015). Collection method: clinical testing. Allele origin: germline.
Comment: This sequence change creates a premature translational stop signal (p.Glu80Glyfs*36) in the SARS2 gene. It is expected to result in an absent or disrupted protein product. However, the current clinical and genetic evidence is not sufficient to establish whether loss-of-function variants in SARS2 cause disease. This variant is not present in population databases (gnomAD no frequency). This variant has not been reported in the literature in individuals affected with SARS2-related conditions. In summary, the available evidence is currently insufficient to determine the role of this variant in disease. Therefore, it has been classified as a Variant of Uncertain Significance.

NM_017827.4(SARS2):c.238dup (p.Glu80fs)

Genes: SARS2 (seryl-tRNA synthetase 2, mitochondrial; minus strand), LOC130064387 (ATAC-STARR-seq lymphoblastoid active region 14604; plus strand). Cytogenetic location: 19q13.2.
Variant type: Duplication.
Coding change: c.238dup on transcript NM_017827.4 (MANE Select); coding-DNA position 238, one base duplicated (G; older notation c.238dupG).
Protein change: p.Glu80fs; shifts the reading frame from glutamic acid 80.
Molecular consequence: frameshift variant.
Genome position (GRCh38, 1-based): chr19:38,930,499, C duplicated on the plus strand (G on the coding strand, the reverse complement: SARS2 is on the minus strand); the first of 5 consecutive C bases (chr19:38,930,499-38,930,503); duplicating any one gives the same sequence. VCF-style (leftmost placement, unchanged base first): chr19-38930498-T-TC. GRCh37 (hg19) VCF-style: chr19-39421138-T-TC.
Other names: c.238dup, p.Glu80fs (NM_001145901.2); short protein forms E80fs.
Identifiers: ClinVar variation 4764473 (VCV004764473.1).